The following is an entry in ClinVar:

NM_001198.4(PRDM1):c.609C>G (p.Asp203Glu)

Gene: PRDM1 (PR/SET domain 1; plus strand). Cytogenetic location: 6q21.
Variant type: single nucleotide variant.
Coding change: c.609C>G on transcript NM_001198.4 (MANE Select); coding-DNA position 609, C replaced by G.
Protein change: p.Asp203Glu; replaces aspartic acid 203 with glutamic acid.
Molecular consequence: missense variant.
Genome position (GRCh38, 1-based): chr6:106,099,497, C>G. VCF-style: chr6-106099497-C-G. GRCh37 (hg19) VCF-style: chr6-106547372-C-G.
Other names: c.207C>G, p.Asp69Glu (NM_182907.3); short protein forms D203E, D69E.
Identifiers: ClinVar variation 135076 (VCV000135076.3), dbSNP rs811925, ClinGen allele CA161618.
Genomic context (GRCh38, chr6:106,099,497, plus strand): 5'-CTTCTACACCATTAAGCCCATCCCTGCCAACCAGGAACTTCTTGTGTGGTATTGTCGGGA[C>G]TTTGCAGAAAGGCTTCACTACCCTTATCCCGGAGAGCTGACAATGATGAATCTCAGTAAG-3'
Protein context (NP_001189.2, residues 193-213): NQELLVWYCR[Asp203Glu]FAERLHYPYP

ClinVar aggregate classification (germline): Benign. Review status: criteria provided, single submitter (1 of 4 stars). 2 submissions from 2 submitters: Benign (1). 1 of the submissions does not count toward it. Last evaluated 2020-02-18.

Allele frequency attached by ClinVar (database versions not stated): 1000 Genomes Project 0.15016; 1000 Genomes Project 30x 0.15256; TOPMed 0.15724; gnomAD exomes 0.16209 and 0.16826; ExAC 0.16509; gnomAD 0.16521 and 0.16669; ESP Exome Variant Server 0.16715.
gnomAD v4.1: 270,884 of 1,613,910 alleles (17%); highest among the groups gnomAD compares: South Asian, 19%; 23,745 homozygotes.

Submissions (2):

GeneDx
Classification: Benign. Last evaluated: 2020-02-18. Review status: criteria provided, single submitter. Criteria: GeneDx Variant Classification Process June 2021. Collection method: clinical testing. Allele origin: germline. Affected: yes.
Comment: This variant is associated with the following publications: (PMID: 21085059)

ITMI
No classification provided. Condition: AllHighlyPenetrant. Last evaluated: 2013-09-19. Review status: no classification provided. Collection method: reference population. Allele origin: germline. Not counted in ClinVar's aggregate classification.
Comment: Please see associated publication for description of ethnicities

Literature cited by the submitters: PubMed 24728327 (cited by ITMI).